The following is an entry in ClinVar:

NM_001320198.2(KRT86):c.993G>A (p.Arg331=)

Gene: KRT86 (keratin 86; plus strand). Cytogenetic location: 12q13.13.
Variant type: single nucleotide variant.
Coding change: c.993G>A on transcript NM_001320198.2 (MANE Select); coding-DNA position 993, G replaced by A.
Protein change: p.Arg331=; no amino-acid change (arginine 331 retained).
Molecular consequence: synonymous variant.
Genome position (GRCh38, 1-based): chr12:52,305,755, G>A. VCF-style: chr12-52305755-G-A. GRCh37 (hg19) VCF-style: chr12-52699539-G-A.
Identifiers: ClinVar variation 2643013 (VCV002643013.24), dbSNP rs560252337, ClinGen allele CA6577014.

ClinVar aggregate classification (germline): Uncertain significance (1 of 4 stars; one submission).

Allele frequency attached by ClinVar (database versions not stated): gnomAD exomes below 0.00001; TOPMed below 0.00001; ExAC 0.00001; gnomAD 0.00001.
gnomAD v4.1: 6 of 1,613,948 alleles (0.00037%); highest among the groups gnomAD compares: Non-Finnish European, 0.00051%; no homozygotes.

Submission:

CeGaT Center for Human Genetics Tuebingen
Classification: Uncertain significance. Last evaluated: 2023-10-01. Review status: criteria provided, single submitter. Criteria: CeGaT Center For Human Genetics Tuebingen Variant Classification Criteria Version 2. Collection method: clinical testing. Allele origin: germline. Affected: yes. Observed: 1 variant allele.
Comment: KRT86: PM2:Supporting, BP4